The following is an entry in ClinVar:

ClinVar aggregate classification (germline): Uncertain significance (1 of 4 stars; one submission).

Allele frequency attached by ClinVar (database versions not stated): gnomAD exomes below 0.00001; gnomAD 0.00001; TOPMed 0.00001.
gnomAD v4.1: 8 of 1,613,736 alleles (0.0005%); highest among the groups gnomAD compares: African/African-American, 0.0013%; no homozygotes.

Submission:

Labcorp Genetics (formerly Invitae), Labcorp
Classification: Uncertain significance. Last evaluated: 2022-03-11. Review status: criteria provided, single submitter. Criteria: Invitae Variant Classification Sherloc (09022015). Collection method: clinical testing. Allele origin: germline.
Comment: In summary, the available evidence is currently insufficient to determine the role of this variant in disease. Therefore, it has been classified as a Variant of Uncertain Significance. This sequence change replaces threonine, which is neutral and polar, with asparagine, which is neutral and polar, at codon 151 of the GPC6 protein (p.Thr151Asn). This variant is present in population databases (no rsID available, gnomAD 0.0009%). This variant has not been reported in the literature in individuals affected with GPC6-related conditions. ClinVar contains an entry for this variant (Variation ID: 1021590). Algorithms developed to predict the effect of missense changes on protein structure and function are either unavailable or do not agree on the potential impact of this missense change (SIFT: "Deleterious"; PolyPhen-2: "Benign"; Align-GVGD: "Class C0").

NM_005708.5(GPC6):c.452C>A (p.Thr151Asn)

Genes: GPC6 (glypican 6; plus strand), GPC6-AS2 (GPC6 antisense RNA 2; minus strand). Cytogenetic location: 13q31.3.
Variant type: single nucleotide variant.
Coding change: c.452C>A on transcript NM_005708.5 (MANE Select); coding-DNA position 452, C replaced by A.
Protein change: p.Thr151Asn; replaces threonine 151 with asparagine.
Molecular consequence: missense variant.
Genome position (GRCh38, 1-based): chr13:93,830,286, C>A. VCF-style: chr13-93830286-C-A. GRCh37 (hg19) VCF-style: chr13-94482539-C-A.
Other names: short protein forms T151N.
Identifiers: ClinVar variation 1021590 (VCV001021590.8), dbSNP rs953867020, ClinGen allele CA255001048.